The following is an entry in ClinVar:

ClinVar aggregate classification (germline): Uncertain significance (1 of 4 stars; one submission).

Conditions:
Familial thoracic aortic aneurysm and aortic dissection (TAAD). Also called: Thoracic aortic aneurysms and dissections. Identifiers: Orphanet 91387, MedGen C4707243, MONDO:0019625.

Submission:

Color Diagnostics, LLC DBA Color Health
Classification: Uncertain significance for Familial thoracic aortic aneurysm and aortic dissection. Last evaluated: 2024-03-07. Review status: criteria provided, single submitter. Criteria: ACMG Guidelines, 2015. Collection method: clinical testing. Allele origin: germline.
Comment: This missense variant replaces arginine with serine at codon 2306 of the FBN1 protein. Computational prediction is inconclusive regarding the impact of this variant on protein structure and function (internally defined REVEL score threshold 0.5 < inconclusive < 0.7, PMID: 27666373). To our knowledge, functional studies have not been reported for this variant. This variant has not been reported in individuals affected with cardiovascular disorders in the literature. This variant has not been identified in the general population by the Genome Aggregation Database (gnomAD). The available evidence is insufficient to determine the role of this variant in disease conclusively. Therefore, this variant is classified as a Variant of Uncertain Significance.

NM_000138.5(FBN1):c.6916C>A (p.Arg2306Ser)

Gene: FBN1 (fibrillin 1; minus strand). Cytogenetic location: 15q21.1.
Variant type: single nucleotide variant.
Coding change: c.6916C>A on transcript NM_000138.5 (MANE Select); coding-DNA position 6916, C replaced by A.
Protein change: p.Arg2306Ser; replaces arginine 2306 with serine.
Molecular consequence: missense variant.
Genome position (GRCh38, 1-based): chr15:48,428,427, G>T on the plus strand (C>A on the coding strand, the complement: FBN1 is on the minus strand). VCF-style: chr15-48428427-G-T. GRCh37 (hg19) VCF-style: chr15-48720624-G-T.
Other names: c.6916C>A, p.Arg2306Ser (NM_001406716.1); short protein forms R2306S.
Identifiers: ClinVar variation 2773323 (VCV002773323.2), dbSNP rs1318405523, ClinGen allele CA392330755.